The following is an entry in ClinVar:

ClinVar aggregate classification (germline): Likely benign. Review status: criteria provided, multiple submitters, no conflicts (2 of 4 stars). 2 submissions from 2 submitters: Likely benign (2). Last evaluated 2025-11-27.

Conditions:
Hereditary spastic paraplegia 39 (SPG39). Also called: Spastic Paraplegia Type 39 (SPG39); SPASTIC PARAPLEGIA 39, AUTOSOMAL RECESSIVE. Identifiers: Orphanet 139480, MedGen C2677586, MONDO:0012787, OMIM 612020.

Allele frequency attached by ClinVar (database versions not stated): gnomAD exomes below 0.00001; ExAC 0.00001; TOPMed 0.00002; ESP Exome Variant Server 0.00008.
gnomAD v4.1: 8 of 1,591,726 alleles (0.0005%); highest among the groups gnomAD compares: African/African-American, 0.011%; no homozygotes.

Submissions (2):

Mayo Clinic Laboratories, Mayo Clinic
Classification: Likely benign. Last evaluated: 2025-11-27. Review status: criteria provided, single submitter. Criteria: ACMG Guidelines, 2015. Collection method: clinical testing. Allele origin: germline. Observed: 1 variant allele.
Comment: BP4, BP7

Labcorp Genetics (formerly Invitae), Labcorp
Classification: Likely benign for Hereditary spastic paraplegia 39. Last evaluated: 2025-10-15. Review status: criteria provided, single submitter. Criteria: Invitae Variant Classification Sherloc (09022015). Collection method: clinical testing. Allele origin: germline.

NM_001166114.2(PNPLA6):c.2718G>C (p.Thr906=)

Gene: PNPLA6 (patatin like domain 6, lysophospholipase; plus strand). Cytogenetic location: 19p13.2.
Variant type: single nucleotide variant.
Coding change: c.2718G>C on transcript NM_001166114.2 (MANE Select); coding-DNA position 2718, G replaced by C.
Protein change: p.Thr906=; no amino-acid change (threonine 906 retained).
Molecular consequence: synonymous variant.
Genome position (GRCh38, 1-based): chr19:7,554,976, G>C. VCF-style: chr19-7554976-G-C. GRCh37 (hg19) VCF-style: chr19-7619862-G-C.
Other names: p.Thr868=; c.2748G>C, p.Thr916= (NM_001166111.2); c.2523G>C, p.Thr841= (NM_001166112.2); c.2604G>C, p.Thr868= (NM_001166113.1, NM_006702.5).
Identifiers: ClinVar variation 1138981 (VCV001138981.10), dbSNP rs372391232, ClinGen allele CA9140210.